The following is an entry in ClinVar:

ClinVar aggregate classification (germline): Uncertain significance (1 of 4 stars; one submission).

Conditions:
Inosine triphosphatase deficiency. Also called: INOSINE TRIPHOSPHATE PYROPHOSPHOHYDROLASE DEFICIENCY. Identifiers: MedGen C0342800, MONDO:0013461, OMIM 613850.

Allele frequency attached by ClinVar (database versions not stated): gnomAD exomes below 0.00001; gnomAD 0.00001.
gnomAD v4.1: 2 of 1,613,564 alleles (0.00012%); highest among the groups gnomAD compares: Admixed American, 0.0033%; no homozygotes.

Submission:

Labcorp Genetics (formerly Invitae), Labcorp
Classification: Uncertain significance for Inosine triphosphatase deficiency. Last evaluated: 2022-07-11. Review status: criteria provided, single submitter. Criteria: Invitae Variant Classification Sherloc (09022015). Collection method: clinical testing. Allele origin: germline.
Comment: This sequence change replaces aspartic acid, which is acidic and polar, with valine, which is neutral and non-polar, at codon 124 of the ITPA protein (p.Asp124Val). This variant is present in population databases (no rsID available, gnomAD 0.003%). This variant has not been reported in the literature in individuals affected with ITPA-related conditions. Algorithms developed to predict the effect of missense changes on protein structure and function (SIFT, PolyPhen-2, Align-GVGD) all suggest that this variant is likely to be tolerated. In summary, the available evidence is currently insufficient to determine the role of this variant in disease. Therefore, it has been classified as a Variant of Uncertain Significance.

NM_033453.4(ITPA):c.371A>T (p.Asp124Val)

Gene: ITPA (inosine triphosphatase; plus strand). Cytogenetic location: 20p13.
Variant type: single nucleotide variant.
Coding change: c.371A>T on transcript NM_033453.4 (MANE Select); coding-DNA position 371, A replaced by T.
Protein change: p.Asp124Val; replaces aspartic acid 124 with valine.
Molecular consequence: missense variant. On other transcripts: non-coding transcript variant (2).
Genome position (GRCh38, 1-based): chr20:3,218,592, A>T. VCF-style: chr20-3218592-A-T. GRCh37 (hg19) VCF-style: chr20-3199238-A-T.
Other names: c.248A>T, p.Asp83Val (NM_001267623.2); c.34A>T, p.Thr12Ser (NM_001324236.2, NM_001324237.2, NM_001324238.2 and 1 more transcripts); c.371A>T, p.Asp124Val (NM_001324240.2, NM_001424408.1); c.497A>T, p.Asp166Val (NM_001424409.1); c.320A>T, p.Asp107Val (NM_181493.4); short protein forms D124V, D83V, T12S, D107V, D166V.
Identifiers: ClinVar variation 1955560 (VCV001955560.2), dbSNP rs1276150567, ClinGen allele CA408079942.
Genomic context (GRCh38, chr20:3,218,592, plus strand): 5'-TGGCCGGGTTCGAGGACAAGTCAGCCTATGCGCTCTGCACGTTTGCACTCAGCACCGGGG[A>T]CCCAAGCCAGCCCGTGCGCCTGTTCAGGGGCCGGACCTCGGTGCGTACCCACCTTGATGC-3'
Protein context (NP_258412.1, residues 114-134): ALCTFALSTG[Asp124Val]PSQPVRLFRG